The following is an entry in ClinVar:

ClinVar aggregate classification (germline): Likely pathogenic (1 of 4 stars; one submission).

Conditions:
Inflammatory skin and bowel disease, neonatal, 1. Identifiers: Orphanet 294023, MedGen C3280501, MONDO:0013693, OMIM 614328.

gnomAD v4.1: 1 of 1,613,856 alleles (0.000062%); highest among the groups gnomAD compares: Non-Finnish European, 0.000085%; no homozygotes.

Submission:

3billion
Classification: Likely pathogenic for Inflammatory skin and bowel disease, neonatal, 1. Last evaluated: 2022-09-01. Review status: criteria provided, single submitter. Criteria: ACMG Guidelines, 2015. Collection method: clinical testing. Allele origin: germline. Affected: yes. Observed: 1 homozygote.
Comment: The variant is not observed in the gnomAD v2.1.1 dataset. Canonical splice site is predicted to alter splicing and result in a loss or disruption of normal protein function. Multiple pathogenic loss-of-function variants are reported downstream of the variant. Therefore, this variant is classified as Likely pathogenic according to the recommendation of ACMG/AMP guideline.

NM_003183.6(ADAM17):c.1344+1G>A

Genes: ADAM17 (ADAM metallopeptidase domain 17; minus strand), IAH1 (isoamyl acetate hydrolyzing esterase 1 (putative); plus strand). Cytogenetic location: 2p25.1.
Variant type: single nucleotide variant.
Coding change: c.1344+1G>A on transcript NM_003183.6 (MANE Select); the canonical splice donor site of the intron after coding-DNA position 1344, G replaced by A.
Molecular consequence: splice donor variant.
Genome position (GRCh38, 1-based): chr2:9,509,978, C>T on the plus strand (G>A on the coding strand, the complement: ADAM17 is on the minus strand). VCF-style: chr2-9509978-C-T. GRCh37 (hg19) VCF-style: chr2-9650107-C-T.
Other names: c.684+1G>A (NM_001382777.1); c.447+1G>A (NM_001382778.1).
Identifiers: ClinVar variation 1705353 (VCV001705353.1), dbSNP rs2531219086, ClinGen allele CA345777871.